The following is an entry in ClinVar:

ClinVar aggregate classification (germline): Likely pathogenic (1 of 4 stars; one submission).

Submission:

GeneDx
Classification: Likely pathogenic. Last evaluated: 2014-04-03. Review status: criteria provided, single submitter. Criteria: GeneDx Variant Classification (06012015). Collection method: clinical testing. Allele origin: germline. Affected: yes.
Comment: p.Glu1567Glu (GAA>GAG): c.4701 A>G in exon 25 of the SCN1A gene (NM_001165963.1) The c.4701 A>G variant has not been published as a mutation, nor has it been reported as a benign polymorphism to our knowledge. It was not observed in approximately 6,500 individuals of European and African American ancestry in the NHLBI Exome Sequencing Project, indicating it is not a common benign variant in these populations. Multiple in silico algorithms predict c.4701 A>G may create a cryptic splice donor site in exon 25 and lead to abnormal splicing; however, in the absence of RNA/functional studies the actual effect of the c.4701 A>G sequence change on splicing is unknown. Therefore, based on the currently available information, it is unclear whether c.4701 A>G is a pathogenic mutation or a rare benign variant. The variant is found in INFANT-EPI panel(s).

NM_001165963.4(SCN1A):c.4701A>G (p.Glu1567=)

Genes: SCN1A (sodium voltage-gated channel alpha subunit 1; minus strand), LOC102724058 (uncharacterized LOC102724058; plus strand). Cytogenetic location: 2q24.3.
Variant type: single nucleotide variant.
Coding change: c.4701A>G on transcript NM_001165963.4 (MANE Select); coding-DNA position 4701, A replaced by G.
Protein change: p.Glu1567=; no amino-acid change (glutamic acid 1567 retained).
Molecular consequence: synonymous variant. On other transcripts: non-coding transcript variant (1).
Genome position (GRCh38, 1-based): chr2:165,994,297, T>C on the plus strand (A>G on the coding strand, the complement: SCN1A is on the minus strand). VCF-style: chr2-165994297-T-C. GRCh37 (hg19) VCF-style: chr2-166850807-T-C.
Other names: p.E1567E:GAA>GAG; c.4617A>G, p.Glu1539= (NM_001165964.3, NM_001353957.2, NM_001353958.2); c.4701A>G, p.Glu1567= (NM_001202435.3, NM_001353948.2); c.4668A>G, p.Glu1556= (NM_001353949.2, NM_001353950.2, NM_001353951.2 and 2 more transcripts); c.4665A>G, p.Glu1555= (NM_001353954.2, NM_001353955.2); c.4614A>G, p.Glu1538= (NM_001353960.2); c.2259A>G, p.Glu753= (NM_001353961.2).
Identifiers: ClinVar variation 206844 (VCV000206844.2), dbSNP rs796053025, ClinGen allele CA317521.